The following is an entry in ClinVar:

ClinVar aggregate classification (germline): Uncertain significance. Review status: criteria provided, multiple submitters, no conflicts (2 of 4 stars). 2 submissions from 2 submitters: Uncertain significance (2). Last evaluated 2026-01-12.

Conditions:
Epileptic encephalopathy. Identifiers: MedGen C0543888, HP:0200134.

Allele frequency attached by ClinVar (database versions not stated): gnomAD 0.00004; TOPMed 0.00007; ExAC 0.00008.

Submissions (3):

Labcorp Genetics (formerly Invitae), Labcorp
Classification: Uncertain significance for Epileptic encephalopathy. Last evaluated: 2026-01-12. Review status: criteria provided, single submitter. Criteria: Invitae Variant Classification Sherloc (09022015). Collection method: clinical testing. Allele origin: germline.
Comment: This sequence change falls in intron 5 of the FASN gene. It does not directly change the encoded amino acid sequence of the FASN protein. It affects a nucleotide within the consensus splice site. This variant is present in population databases (rs767012490, gnomAD 0.09%), and has an allele count higher than expected for a pathogenic variant. This variant has not been reported in the literature in individuals affected with FASN-related conditions. ClinVar contains an entry for this variant (Variation ID: 531010). Variants that disrupt the consensus splice site are a relatively common cause of aberrant splicing (PMID: 17576681, 9536098). Algorithms developed to predict the effect of sequence changes on RNA splicing suggest that this variant is not likely to affect RNA splicing. In summary, the available evidence is currently insufficient to determine the role of this variant in disease. Therefore, it has been classified as a Variant of Uncertain Significance.

Breakthrough Genomics
Classification: Uncertain significance. Review status: criteria provided, single submitter. Criteria: ACMG Guidelines, 2015. Collection method: not provided. Allele origin: germline. Inheritance: Unknown mechanism. Affected: yes.

Dr. Peter K. Rogan Lab, Western University
No classification provided (evidence only). Condition: Colorectal cancer. Review status: no classification provided. Collection method: in vitro. Allele origin: not applicable. Functional consequence: retained intron. Not counted in ClinVar's aggregate classification.

Literature cited by the submitters: PubMed 17576681 (cited by Labcorp Genetics (formerly Invitae), Labcorp); PubMed 9536098 (cited by Labcorp Genetics (formerly Invitae), Labcorp).

NM_004104.5(FASN):c.655+3G>T

Gene: FASN (fatty acid synthase; minus strand). Cytogenetic location: 17q25.3.
Variant type: single nucleotide variant.
Coding change: c.655+3G>T on transcript NM_004104.5 (MANE Select); 3 bases into the intron after coding-DNA position 655, G replaced by T.
Molecular consequence: intron variant.
Genome position (GRCh38, 1-based): chr17:82,093,216, C>A on the plus strand (G>T on the coding strand, the complement: FASN is on the minus strand). VCF-style: chr17-82093216-C-A. GRCh37 (hg19) VCF-style: chr17-80051092-C-A.
Identifiers: ClinVar variation 531010 (VCV000531010.10), dbSNP rs767012490, ClinGen allele CA8853465.